The following is an entry in ClinVar:

ClinVar aggregate classification (germline): Uncertain significance (1 of 4 stars; one submission).

Allele frequency attached by ClinVar (database versions not stated): gnomAD exomes below 0.00001.
gnomAD v4.1: 11 of 1,609,468 alleles (0.00068%); highest among the groups gnomAD compares: African/African-American, 0.008%; no homozygotes.

Submission:

Labcorp Genetics (formerly Invitae), Labcorp
Classification: Uncertain significance. Last evaluated: 2024-02-05. Review status: criteria provided, single submitter. Criteria: Invitae Variant Classification Sherloc (09022015). Collection method: clinical testing. Allele origin: germline.
Comment: This sequence change falls in intron 12 of the FERMT1 gene. It does not directly change the encoded amino acid sequence of the FERMT1 protein. It affects a nucleotide within the consensus splice site. This variant is not present in population databases (gnomAD no frequency). This variant has not been reported in the literature in individuals affected with FERMT1-related conditions. ClinVar contains an entry for this variant (Variation ID: 1919103). Variants that disrupt the consensus splice site are a relatively common cause of aberrant splicing (PMID: 17576681, 9536098). Algorithms developed to predict the effect of sequence changes on RNA splicing suggest that this variant is not likely to affect RNA splicing. In summary, the available evidence is currently insufficient to determine the role of this variant in disease. Therefore, it has been classified as a Variant of Uncertain Significance.

Literature cited by the submitters: PubMed 17576681; PubMed 9536098.

NM_017671.5(FERMT1):c.1594-3C>T

Gene: FERMT1 (FERM domain containing kindlin 1; minus strand). Cytogenetic location: 20p12.3.
Variant type: single nucleotide variant.
Coding change: c.1594-3C>T on transcript NM_017671.5 (MANE Select); 3 bases into the intron before coding-DNA position 1594, C replaced by T.
Molecular consequence: intron variant.
Genome position (GRCh38, 1-based): chr20:6,084,167, G>A on the plus strand (C>T on the coding strand, the complement: FERMT1 is on the minus strand). VCF-style: chr20-6084167-G-A. GRCh37 (hg19) VCF-style: chr20-6064814-G-A.
Identifiers: ClinVar variation 1919103 (VCV001919103.5), dbSNP rs570770423, ClinGen allele CA311211919.
Genomic context (GRCh38, chr20:6,084,167, plus strand): 5'-CTTCGACCAGGGGCATCTGGGCCACGTTCTGGTGCGCCTCCAGGATCCGGGCGGCCAGCT[G>A]AACAGAAACAGACATCAACCTCTCTTCACATGCACCGGCTGCTCTGTGATCACCCTGTTA-3'